The following is an entry in ClinVar:

NM_203447.4(DOCK8):c.992C>A (p.Ser331Tyr)

Gene: DOCK8 (dedicator of cytokinesis 8; plus strand). Cytogenetic location: 9p24.3.
Variant type: single nucleotide variant.
Coding change: c.992C>A on transcript NM_203447.4 (MANE Select); coding-DNA position 992, C replaced by A.
Protein change: p.Ser331Tyr; replaces serine 331 with tyrosine.
Molecular consequence: missense variant.
Genome position (GRCh38, 1-based): chr9:328,119, C>A. VCF-style: chr9-328119-C-A. GRCh37 (hg19) VCF-style: chr9-328119-C-A.
Other names: c.788C>A, p.Ser263Tyr (NM_001190458.2, NM_001193536.2); short protein forms S331Y, S263Y.
Identifiers: ClinVar variation 952983 (VCV000952983.1), dbSNP rs755958778, ClinGen allele CA187751063.

ClinVar aggregate classification (germline): Uncertain significance (1 of 4 stars; one submission).

Conditions:
Combined immunodeficiency due to DOCK8 deficiency (HIES2). Also called: HIES autosomal recessive; Hyper-IgE recurrent infection syndrome, autosomal recessive; HYPER-IgE SYNDROME 2, AUTOSOMAL RECESSIVE, WITH RECURRENT INFECTIONS; DOCK8 Deficiency; HYPER-IgE RECURRENT INFECTION SYNDROME 2, AUTOSOMAL RECESSIVE. Identifiers: Orphanet 217390, MedGen C4722305, MONDO:0009478, OMIM 243700.

Allele frequency attached by ClinVar (database versions not stated): TOPMed 0.00002; gnomAD exomes 0.00003.
gnomAD v4.1: 38 of 1,614,208 alleles (0.0024%); highest among the groups gnomAD compares: Non-Finnish European, 0.0031%; no homozygotes.

Submission:

Labcorp Genetics (formerly Invitae), Labcorp
Classification: Uncertain significance for Hyper-Immunoglobulin E Syndrome, Autosomal Recessive. Last evaluated: 2019-07-27. Review status: criteria provided, single submitter. Criteria: Invitae Variant Classification Sherloc (09022015). Collection method: clinical testing. Allele origin: germline.
Comment: This sequence change replaces serine with tyrosine at codon 331 of the DOCK8 protein (p.Ser331Tyr). The serine residue is highly conserved and there is a large physicochemical difference between serine and tyrosine. This variant is not present in population databases (ExAC no frequency). This variant has not been reported in the literature in individuals with DOCK8-related conditions. Algorithms developed to predict the effect of missense changes on protein structure and function are either unavailable or do not agree on the potential impact of this missense change (SIFT: "Deleterious"; PolyPhen-2: "Possibly Damaging"; Align-GVGD: "Class C15"). In summary, the available evidence is currently insufficient to determine the role of this variant in disease. Therefore, it has been classified as a Variant of Uncertain Significance.